The following is an entry in ClinVar:

NM_001365276.2(TNXB):c.3692C>T (p.Ala1231Val)

Gene: TNXB (tenascin XB; minus strand). Cytogenetic location: 6p21.33.
Variant type: single nucleotide variant.
Coding change: c.3692C>T on transcript NM_001365276.2 (MANE Select); coding-DNA position 3692, C replaced by T.
Protein change: p.Ala1231Val; replaces alanine 1231 with valine.
Molecular consequence: missense variant.
Genome position (GRCh38, 1-based): chr6:32,082,080, G>A on the plus strand (C>T on the coding strand, the complement: TNXB is on the minus strand). VCF-style: chr6-32082080-G-A. GRCh37 (hg19) VCF-style: chr6-32049857-G-A.
Other names: p.Ala1231Val; c.3692C>T, p.Ala1231Val (NM_019105.8); short protein forms A1231V.
Identifiers: ClinVar variation 1733975 (VCV001733975.5), dbSNP rs146399029, ClinGen allele CA136896708.
Genomic context (GRCh38, chr6:32,082,080, plus strand): 5'-GGTGGCTGCTACTCACCAGTGGTGCCATCGGCCGTGAGGGGGCCATACCGCTTCTTGTTC[G>A]CAATTCCAAACAGAGTGAATCTGTACTTGTGGTCAGGGTCCAGTGAGGAGACAACAAATG-3'
Protein context (NP_001352205.1, residues 1221-1241): HKYRFTLFGI[Ala1231Val]NKKRYGPLTA

ClinVar aggregate classification (germline): Uncertain significance. Review status: criteria provided, multiple submitters, no conflicts (2 of 4 stars). 3 submissions from 3 submitters: Uncertain significance (3). Last evaluated 2026-04-21.

Conditions:
Cardiovascular phenotype. Identifiers: MedGen CN230736.

gnomAD v4.1: 13 of 1,608,896 alleles (0.00081%); highest among the groups gnomAD compares: East Asian, 0.0022%; no homozygotes.

Submissions (3):

Women's Health and Genetics/Laboratory Corporation of America, LabCorp
Classification: Uncertain significance. Last evaluated: 2026-04-21. Review status: criteria provided, single submitter. Criteria: LabCorp Variant Classification Summary - May 2015. Collection method: clinical testing. Allele origin: germline.
Comment: Variant summary: TNXB c.3692C>T (p.Ala1231Val) results in a non-conservative amino acid change in the encoded protein sequence. Algorithms developed to predict the effect of missense changes on protein structure and function are either unavailable or do not agree on the potential impact of this missense change. The frequency data for this variant in gnomAD is considered unreliable, as metrics indicate poor data quality at this position. To our knowledge, no occurrence of c.3692C>T in individuals affected with TNXB-related conditions and no experimental evidence demonstrating its impact on protein function have been reported. ClinVar contains an entry for this variant (Variation ID: 1733975). Based on the evidence outlined above, the variant was classified as uncertain significance.

Ambry Genetics
Classification: Uncertain significance for Cardiovascular phenotype. Last evaluated: 2025-11-16. Review status: criteria provided, single submitter. Criteria: Ambry Variant Classification Scheme 2023. Collection method: clinical testing. Allele origin: germline.
Comment: The p.A1231V variant (also known as c.3692C>T), located in coding exon 8 of the TNXB gene, results from a C to T substitution at nucleotide position 3692. The alanine at codon 1231 is replaced by valine, an amino acid with similar properties. This amino acid position is not well conserved in available vertebrate species. In addition, this alteration is predicted to be tolerated by in silico analysis. Since supporting evidence is limited at this time, the clinical significance of this alteration remains unclear.

Mayo Clinic Laboratories, Mayo Clinic
Classification: Uncertain significance. Last evaluated: 2025-10-03. Review status: criteria provided, single submitter. Criteria: ACMG Guidelines, 2015. Collection method: clinical testing. Allele origin: germline. Observed: 1 variant allele.
Comment: BP4_moderate, PM2_supporting